The following is an entry in ClinVar:

ClinVar aggregate classification (germline): Uncertain significance (1 of 4 stars; one submission).

Submission:

Labcorp Genetics (formerly Invitae), Labcorp
Classification: Uncertain significance. Last evaluated: 2022-07-06. Review status: criteria provided, single submitter. Criteria: Invitae Variant Classification Sherloc (09022015). Collection method: clinical testing. Allele origin: germline.
Comment: In summary, the available evidence is currently insufficient to determine the role of this variant in disease. Therefore, it has been classified as a Variant of Uncertain Significance. Advanced modeling of protein sequence and biophysical properties (such as structural, functional, and spatial information, amino acid conservation, physicochemical variation, residue mobility, and thermodynamic stability) performed at Invitae indicates that this missense variant is not expected to disrupt GRM6 protein function. ClinVar contains an entry for this variant (Variation ID: 1519541). This variant has not been reported in the literature in individuals affected with GRM6-related conditions. This variant is not present in population databases (gnomAD no frequency). This sequence change replaces asparagine, which is neutral and polar, with serine, which is neutral and polar, at codon 567 of the GRM6 protein (p.Asn567Ser).

NM_000843.4(GRM6):c.1700A>G (p.Asn567Ser)

Genes: GRM6 (glutamate metabotropic receptor 6; minus strand), ZNF454 (zinc finger protein 454; plus strand). Cytogenetic location: 5q35.3.
Variant type: single nucleotide variant.
Coding change: c.1700A>G on transcript NM_000843.4 (MANE Select); coding-DNA position 1700, A replaced by G.
Protein change: p.Asn567Ser; replaces asparagine 567 with serine.
Molecular consequence: missense variant.
Genome position (GRCh38, 1-based): chr5:178,986,554, T>C on the plus strand (A>G on the coding strand, the complement: GRM6 is on the minus strand). VCF-style: chr5-178986554-T-C. GRCh37 (hg19) VCF-style: chr5-178413555-T-C.
Other names: short protein forms N567S.
Identifiers: ClinVar variation 1519541 (VCV001519541.8), dbSNP rs2113329063, ClinGen allele CA362427522.
Genomic context (GRCh38, chr5:178,986,554, plus strand): 5'-GCTGCCCAGGGGGAGGACCAGCTCAGGCGCACCACAGGTGTGGGGCGGCAGCCCGTGTGG[T>C]TGGGCGTGGGCCTCATGTCCCCAGGACAGGCCTCGCATGTGAACTCGTCCACCTGGAAGC-3'
Protein context (NP_000834.2, residues 557-577): ACPGDMRPTP[Asn567Ser]HTGCRPTPVV